The following is an entry in ClinVar:

ClinVar aggregate classification (germline): Conflicting classifications of pathogenicity. Review status: criteria provided, conflicting classifications (1 of 4 stars). 6 submissions from 6 submitters: Uncertain significance (2); Likely benign (4). Last evaluated 2026-02-01.

Conditions:
Cardiovascular phenotype. Identifiers: MedGen CN230736.
Osteogenesis imperfecta type I (OI1). Also called: Lobstein's Disease; OI, TYPE I; OSTEOGENESIS IMPERFECTA TARDA; OSTEOGENESIS IMPERFECTA WITH BLUE SCLERAE; Osteogenesis imperfecta type 1; Classic Non-deforming Osteogenesis Imperfecta with Blue Sclerae. Identifiers: Orphanet 216796, Orphanet 666, MedGen C0023931, MONDO:0008146, OMIM 166200. Disease mechanism: loss of function.

Submissions (6):

Labcorp Genetics (formerly Invitae), Labcorp
Classification: Uncertain significance for Osteogenesis imperfecta type I. Last evaluated: 2026-02-01. Review status: criteria provided, single submitter. Criteria: Invitae Variant Classification Sherloc (09022015). Collection method: clinical testing. Allele origin: germline.
Comment: This variant, c.438_446del, results in the deletion of 3 amino acid(s) of the COL1A1 protein (p.Pro152_Gly154del), but otherwise preserves the integrity of the reading frame. This variant is present in population databases (no rsID available, gnomAD 0.02%). This variant has not been reported in the literature in individuals affected with COL1A1-related conditions. ClinVar contains an entry for this variant (Variation ID: 567887). Experimental studies and prediction algorithms are not available or were not evaluated, and the functional significance of this variant is currently unknown. In summary, the available evidence is currently insufficient to determine the role of this variant in disease. Therefore, it has been classified as a Variant of Uncertain Significance.

Women's Health and Genetics/Laboratory Corporation of America, LabCorp
Classification: Likely benign. Last evaluated: 2026-01-05. Review status: criteria provided, single submitter. Criteria: LabCorp Variant Classification Summary - May 2015. Collection method: clinical testing. Allele origin: germline.
Comment: Variant summary: COL1A1 c.438_446delCCCCGGACC (p.Pro152_Gly154del) results in an in-frame deletion that is predicted to remove 3 amino acids from the encoded protein. The variant allele was found at a frequency of 7.3e-05 in 1466378 control chromosomes in the gnomAD database (v4.1 dataset). The observed variant frequency exceeds the estimated maximal expected allele frequency for disease-causing variants in COL1A1. To our knowledge, no occurrence of c.438_446delCCCCGGACC in individuals affected with COL1A1-related conditions and no experimental evidence demonstrating its impact on protein function have been reported. ClinVar contains an entry for this variant (Variation ID: 567887). Based on the evidence outlined above, the variant was classified as likely benign.

CeGaT Center for Human Genetics Tuebingen
Classification: Likely benign. Last evaluated: 2026-01-01. Review status: criteria provided, single submitter. Criteria: CeGaT Center For Human Genetics Tuebingen Variant Classification Criteria Version 2. Collection method: clinical testing. Allele origin: germline. Affected: yes. Observed: 1 variant allele.
Comment: COL1A1: PM4, BS2

Blueprint Genetics
Classification: Likely benign. Last evaluated: 2024-08-26. Review status: criteria provided, single submitter. Criteria: ACMG Guidelines, 2015. Collection method: clinical testing. Allele origin: germline.

GeneDx
Classification: Likely benign. Last evaluated: 2020-10-16. Review status: criteria provided, single submitter. Criteria: GeneDx Variant Classification Process June 2021. Collection method: clinical testing. Allele origin: germline. Affected: yes.
Comment: In silico analysis, which includes protein predictors and evolutionary conservation, supports a deleterious effect; In-frame deletion in a repetitive region with no known function; Has not been previously published as pathogenic or benign to our knowledge

Ambry Genetics
Classification: Uncertain significance for Cardiovascular phenotype. Last evaluated: 2019-07-16. Review status: criteria provided, single submitter. Criteria: Ambry Variant Classification Scheme 2023. Collection method: clinical testing. Allele origin: germline.
Comment: The c.438_446delCCCCGGACC variant (also known as p.P152_G154del), located in coding exon 5 of the COL1A1 gene, results from an in-frame deletion of CCCCGGACC at nucleotide positions 438 to 446. This results in the in-frame deletion of proline, proline, and glycine residues a at codon 152 to 154. These amino acid positions are well conserved in available vertebrate species. Since supporting evidence is limited at this time, the clinical significance of this alteration remains unclear.

NM_000088.4(COL1A1):c.429CCCCGGACC[1] (p.143PPG[3])

Gene: COL1A1 (collagen type I alpha 1 chain; minus strand). Cytogenetic location: 17q21.33.
Variant type: Microsatellite.
Coding change: c.429CCCCGGACC[1] on transcript NM_000088.4 (MANE Select); one copy of the 9-base unit CCCCGGACC starting at c.429; the reference has two copies in a row; one copy, 9 bases deleted.
Protein change: p.143PPG[3].
Molecular consequence: inframe deletion.
Genome position (GRCh38, 1-based): chr17:50,199,251-50,199,259, GGTCCGGGG deleted on the plus strand (CCCCGGACC on the coding strand, the reverse complement: COL1A1 is on the minus strand); deleting any 9 consecutive bases within chr17:50,199,251-50,199,276 gives the same sequence; the position shown is the placement nearest the transcript's 3' end. VCF-style (leftmost placement, unchanged base first): chr17-50199250-AGGTCCGGGG-A. GRCh37 (hg19) VCF-style: chr17-48276611-AGGTCCGGGG-A.
Other names: c.438_446delCCCCGGACC (NM_000088.4, NM_000088.3).
Identifiers: ClinVar variation 567887 (VCV000567887.23), dbSNP rs769867566, ClinGen allele CA626486271.